The following is an entry in ClinVar:

ClinVar aggregate classification (germline): Likely pathogenic (0 of 4 stars; one submission).

Conditions:
Retinitis pigmentosa 39 (RP39). Identifiers: Orphanet 791, MedGen C3151138, MONDO:0013436, OMIM 613809.
Usher syndrome type 2A. Also called: USHER SYNDROME, TYPE IIA; RETINAL DISEASE IN USHER SYNDROME TYPE IIA, MODIFIER OF. Identifiers: Orphanet 231178, Orphanet 886, MedGen C1848634, MONDO:0010169, OMIM 276901.

Submission:

Department of Genetics, Suzhou Beikang Medical Laboratory
Classification: Likely pathogenic for Retinitis pigmentosa 39; Usher syndrome type 2A. Last evaluated: 2024-10-31. Review status: no assertion criteria provided. Collection method: clinical testing. Allele origin: germline. Affected: no.
Comment: In summary, the currently available evidence indicates that the variant is Likely pathogenic, but additional data are needed to prove that conclusively. Therefore, this variant has been classified as Likely Pathogenic. Algorithms developed to predict the effect of sequence changes on RNA splicing suggest that this variant may disrupt the consensus splice site. This variant has not been reported in the literature in individuals affected with USH2A-related conditions. This variant is not present in population databases (ExAC no frequency). This sequence change affects a donor splice site in intron 65 of the USH2A gene. It is expected to disrupt RNA splicing. Variants that disrupt the donor or acceptor splice site typically lead to a loss of protein function (PMID: 16199547), and loss-of-function variants in USH2A are known to be pathogenic (PMID: 21841779, 26827111).

NM_206933.4(USH2A):c.14343+2T>G

Gene: USH2A (usherin; minus strand). Cytogenetic location: 1q41.
Variant type: single nucleotide variant.
Coding change: c.14343+2T>G on transcript NM_206933.4 (MANE Select); the canonical splice donor site of the intron after coding-DNA position 14343, T replaced by G.
Molecular consequence: splice donor variant.
Genome position (GRCh38, 1-based): chr1:215,650,590, A>C on the plus strand (T>G on the coding strand, the complement: USH2A is on the minus strand). VCF-style: chr1-215650590-A-C. GRCh37 (hg19) VCF-style: chr1-215823932-A-C.
Identifiers: ClinVar variation 3370414 (VCV003370414.1).